The following is an entry in ClinVar:

ClinVar aggregate classification (germline): Uncertain significance. Review status: criteria provided, multiple submitters, no conflicts (2 of 4 stars). 2 submissions from 2 submitters: Uncertain significance (2). Last evaluated 2024-02-23.

Conditions:
Hereditary cancer-predisposing syndrome. Also called: Neoplastic Syndromes, Hereditary; Tumor predisposition; Hereditary Cancer Syndrome; Hereditary neoplastic syndrome. Identifiers: Orphanet 140162, MedGen C0027672, MeSH D009386, MONDO:0015356.

Submissions (2):

Quest Diagnostics Nichols Institute San Juan Capistrano
Classification: Uncertain significance. Last evaluated: 2024-02-23. Review status: criteria provided, single submitter. Criteria: Quest Diagnostics criteria. Collection method: clinical testing. Allele origin: unknown.
Comment: The APC c.7477C>A (p.Leu2493Ile) variant has not been reported in individuals with APC-related conditions in the published literature. It also has not been reported in large, multi-ethnic general populations (Genome Aggregation Database). Analysis of this variant using bioinformatics tools for the prediction of the effect of amino acid changes on protein structure and function yielded predictions that this variant is damaging. Based on the available information, we are unable to determine the clinical significance of this variant.

Ambry Genetics
Classification: Uncertain significance for Hereditary cancer-predisposing syndrome. Last evaluated: 2021-10-27. Review status: criteria provided, single submitter. Criteria: Ambry Variant Classification Scheme 2023. Collection method: clinical testing. Allele origin: germline.
Comment: The p.L2493I variant (also known as c.7477C>A), located in coding exon 15 of the APC gene, results from a C to A substitution at nucleotide position 7477. The leucine at codon 2493 is replaced by isoleucine, an amino acid with highly similar properties. This amino acid position is highly conserved in available vertebrate species. In addition, in silico predictors for this gene do not accurately predict pathogenicity. Since supporting evidence is limited at this time, the clinical significance of this alteration remains unclear.

NM_000038.6(APC):c.7477C>A (p.Leu2493Ile)

Gene: APC (APC regulator of Wnt signaling pathway; plus strand). Cytogenetic location: 5q22.2.
Variant type: single nucleotide variant.
Coding change: c.7477C>A on transcript NM_000038.6 (MANE Select); coding-DNA position 7477, C replaced by A.
Protein change: p.Leu2493Ile; replaces leucine 2493 with isoleucine.
Molecular consequence: missense variant.
Genome position (GRCh38, 1-based): chr5:112,843,071, C>A. VCF-style: chr5-112843071-C-A. GRCh37 (hg19) VCF-style: chr5-112178768-C-A.
Other names: c.7477C>A, p.Leu2493Ile (NM_001354895.2, NM_001407450.1, NM_001127510.3); c.7531C>A, p.Leu2511Ile (NM_001354896.2, NM_001407447.1, NM_001407448.1 and 1 more transcripts); c.7507C>A, p.Leu2503Ile (NM_001354897.2); c.7402C>A, p.Leu2468Ile (NM_001354898.2); c.7393C>A, p.Leu2465Ile (NM_001354899.2); c.7354C>A, p.Leu2452Ile (NM_001354900.2); c.7300C>A, p.Leu2434Ile (NM_001354901.2, NM_001407453.1); c.7204C>A, p.Leu2402Ile (NM_001354902.2); and 11 more; short protein forms L2109I, L2364I, L2452I, L2465I, L2468I, L2521I, L2367I, L2402I.
Identifiers: ClinVar variation 1759075 (VCV001759075.3), dbSNP rs2149987883, ClinGen allele CA16037596.